The following is an entry in ClinVar:

ClinVar aggregate classification (germline): Uncertain significance (1 of 4 stars; one submission).

Allele frequency attached by ClinVar (database versions not stated): gnomAD exomes 0.00001.
gnomAD v4.1: 3 of 1,614,128 alleles (0.00019%); highest among the groups gnomAD compares: South Asian, 0.0033%; 1 homozygote.

Submission:

Ambry Genetics
Classification: Uncertain significance. Last evaluated: 2021-11-03. Review status: criteria provided, single submitter. Criteria: Ambry Variant Classification Scheme 2023. Collection method: clinical testing. Allele origin: germline.
Comment: The p.E755Q variant (also known as c.2263G>C), located in coding exon 1 of the MLH3 gene, results from a G to C substitution at nucleotide position 2263. The glutamic acid at codon 755 is replaced by glutamine, an amino acid with highly similar properties. This amino acid position is conserved. In addition, this alteration is predicted to be tolerated by in silico analysis. Since supporting evidence is limited at this time, the clinical significance of this alteration remains unclear.

NM_001040108.2(MLH3):c.2263G>C (p.Glu755Gln)

Gene: MLH3 (mutL homolog 3; minus strand). Cytogenetic location: 14q24.3.
Variant type: single nucleotide variant.
Coding change: c.2263G>C on transcript NM_001040108.2 (MANE Select); coding-DNA position 2263, G replaced by C.
Protein change: p.Glu755Gln; replaces glutamic acid 755 with glutamine.
Molecular consequence: missense variant.
Genome position (GRCh38, 1-based): chr14:75,047,393, C>G on the plus strand (G>C on the coding strand, the complement: MLH3 is on the minus strand). VCF-style: chr14-75047393-C-G. GRCh37 (hg19) VCF-style: chr14-75514096-C-G.
Other names: c.2263G>C, p.Glu755Gln (NM_014381.3); short protein forms E755Q.
Identifiers: ClinVar variation 1788671 (VCV001788671.2), dbSNP rs1355406319, ClinGen allele CA390441091.